The following is an entry in ClinVar:

ClinVar aggregate classification (germline): Likely benign (0 of 4 stars; one submission).

Conditions:
ANO6-related disorder. Also called: ANO6-related condition.

Submission:

PreventionGenetics, part of Exact Sciences
Classification: Likely benign for ANO6-related condition. Last evaluated: 2020-03-12. Review status: no assertion criteria provided. Collection method: clinical testing. Allele origin: germline.
Comment: This variant is classified as likely benign based on ACMG/AMP sequence variant interpretation guidelines (Richards et al. 2015 PMID: 25741868, with internal and published modifications).

NM_001142679.2(ANO6):c.2527-11_2527-8del

Gene: ANO6 (anoctamin 6; plus strand). Cytogenetic location: 12q12.
Variant type: Deletion.
Coding change: c.2527-11_2527-8del on transcript NM_001142679.2; 11 bases into the intron before coding-DNA position 2527 through 8 bases into the intron before coding-DNA position 2527, 4 bases deleted (TTTT; older notation c.2527-11_2527-8delTTTT).
Molecular consequence: intron variant.
Genome position (GRCh38, 1-based): chr12:45,439,664-45,439,667, TTTT deleted; deleting any 4 consecutive bases within chr12:45,439,648-45,439,667 gives the same sequence; the c. name uses the placement nearest the transcript's 3' end. VCF-style (leftmost placement, unchanged base first): chr12-45439647-CTTTT-C. GRCh37 (hg19) VCF-style: chr12-45833430-CTTTT-C.
Identifiers: ClinVar variation 3038001 (VCV003038001.2), dbSNP rs34144696, ClinGen allele CA604783582.